The following is an entry in ClinVar:

NM_020919.4(ALS2):c.1627G>A (p.Asp543Asn)

Gene: ALS2 (alsin Rho guanine nucleotide exchange factor ALS2; minus strand). Cytogenetic location: 2q33.1.
Variant type: single nucleotide variant.
Coding change: c.1627G>A on transcript NM_020919.4 (MANE Select); coding-DNA position 1627, G replaced by A.
Protein change: p.Asp543Asn; replaces aspartic acid 543 with asparagine.
Molecular consequence: missense variant.
Genome position (GRCh38, 1-based): chr2:201,754,516, C>T on the plus strand (G>A on the coding strand, the complement: ALS2 is on the minus strand). VCF-style: chr2-201754516-C-T. GRCh37 (hg19) VCF-style: chr2-202619239-C-T.
Other names: short protein forms D543N.
Identifiers: ClinVar variation 695972 (VCV000695972.23), dbSNP rs201161419, ClinGen allele CA2058415.

ClinVar aggregate classification (germline): Conflicting classifications of pathogenicity. Review status: criteria provided, conflicting classifications (1 of 4 stars). 7 submissions from 6 submitters: Uncertain significance (4); Benign (2). 1 of the submissions does not count toward it. Last evaluated 2026-01-28.

Conditions:
Hereditary spastic paraplegia. Also called: Familial spastic paraparesis. Identifiers: Orphanet 685, MedGen C0037773, MONDO:0019064. Disease mechanism: loss of function.
ALS2-related disorder. Also called: ALS2-related condition; ALS2-related disorders; ALS2-Related Spectrum Disorders. Identifiers: MedGen CN169291.
Infantile-onset ascending hereditary spastic paralysis (IAHSP). Also called: Infantile-Onset Ascending Hereditary Spastic Paralysis (IAHSP); Autosomal Recessive Juvenile Amyotrophic Lateral Sclerosis. Identifiers: Orphanet 293168, MedGen C2931441, MONDO:0011797, OMIM 607225. Disease mechanism: loss of function.
Amyotrophic lateral sclerosis type 2, juvenile. Also called: ALS, JUVENILE; Amyotrophic lateral sclerosis type 2. Identifiers: Orphanet 300605, MedGen C1859807, MONDO:0008780, OMIM 205100.

Allele frequency attached by ClinVar (database versions not stated): gnomAD 0.00034 and 0.00036; ExAC 0.00045; TOPMed 0.00047; ESP Exome Variant Server 0.00057; gnomAD exomes 0.00067.
gnomAD v4.1: 524 of 1,613,938 alleles (0.032%); highest among the groups gnomAD compares: Admixed American, 0.038%; no homozygotes.

Submissions (7):

Labcorp Genetics (formerly Invitae), Labcorp
Classification: Benign for Infantile-onset ascending hereditary spastic paralysis. Last evaluated: 2026-01-28. Review status: criteria provided, single submitter. Criteria: Invitae Variant Classification Sherloc (09022015). Collection method: clinical testing. Allele origin: germline.

Revvity Omics, Revvity
Classification: Uncertain significance. Last evaluated: 2021-09-28. Review status: criteria provided, single submitter. Criteria: ACMG Guidelines, 2015. Collection method: clinical testing. Allele origin: germline.

GeneDx
Classification: Benign. Last evaluated: 2021-03-02. Review status: criteria provided, single submitter. Criteria: GeneDx Variant Classification Process June 2021. Collection method: clinical testing. Allele origin: germline. Affected: yes.
Comment: In silico analysis supports that this missense variant has a deleterious effect on protein structure/function; Reported as a heterozygous variant in a patient with ALS who did not have a second variant on the opposite allele (Ghani et al., 2015); This variant is associated with the following publications: (PMID: 25174650)

Genome Diagnostics Laboratory, The Hospital for Sick Children
Classification: Uncertain significance for Hereditary spastic paraplegia. Last evaluated: 2019-04-01. Review status: criteria provided, single submitter. Criteria: ACMG Guidelines, 2015. Collection method: clinical testing. Allele origin: germline. Affected: yes.

Illumina Laboratory Services, Illumina
Classification: Uncertain significance for ALS2-Related Disorders. Last evaluated: 2018-01-13. Review status: criteria provided, single submitter. Criteria: ICSL Variant Classification Criteria 13 December 2019. Collection method: clinical testing. Allele origin: germline.

Illumina Laboratory Services, Illumina
Classification: Uncertain significance for Amyotrophic lateral sclerosis type 2. Last evaluated: 2018-01-13. Review status: criteria provided, single submitter. Criteria: ICSL Variant Classification Criteria 13 December 2019. Collection method: clinical testing. Allele origin: germline.

PreventionGenetics, part of Exact Sciences
Classification: Likely benign for ALS2-related condition. Last evaluated: 2021-02-18. Review status: no assertion criteria provided. Collection method: clinical testing. Allele origin: germline. Not counted in ClinVar's aggregate classification.
Comment: This variant is classified as likely benign based on ACMG/AMP sequence variant interpretation guidelines (Richards et al. 2015 PMID: 25741868, with internal and published modifications).